The following is an entry in ClinVar:

ClinVar aggregate classification (germline): Uncertain significance (1 of 4 stars; one submission).

Conditions:
Familial intrahepatic cholestasis. Identifiers: Orphanet 284385, MedGen CN296401, MONDO:0017290.

Submission:

Genomenon, Inc
Classification: Uncertain significance for Familial intrahepatic cholestasis. Last evaluated: 2026-04-14. Review status: criteria provided, single submitter. Criteria: Genomenon Sequence Variant Interpretation Standards - Updated. Collection method: curation. Allele origin: germline. Affected: yes.
Comment: ABCB4 p.Ile764Leu (c.2290A>C) is a missense variant that changes the amino acid at residue 764 from Isoleucine to Leucine. This variant has been observed in at least one proband with an ABCB4-related disorder (PMID:17264802). It is absent or not present at a significant frequency in gnomAD. In conclusion, we classify ABCB4 p.Ile764Leu (c.2290A>C) as a variant of uncertain significance.

Literature cited by the submitters: PubMed 17264802.

NM_000443.4(ABCB4):c.2290A>C (p.Ile764Leu)

Gene: ABCB4 (ATP binding cassette subfamily B member 4; minus strand). Cytogenetic location: 7q21.12.
Variant type: single nucleotide variant.
Coding change: c.2290A>C on transcript NM_000443.4 (MANE Select); coding-DNA position 2290, A replaced by C.
Protein change: p.Ile764Leu; replaces isoleucine 764 with leucine.
Molecular consequence: missense variant.
Genome position (GRCh38, 1-based): chr7:87,422,147, T>G on the plus strand (A>C on the coding strand, the complement: ABCB4 is on the minus strand). VCF-style: chr7-87422147-T-G. GRCh37 (hg19) VCF-style: chr7-87051463-T-G.
Other names: c.2290A>C, p.Ile764Leu (NM_018849.3, NM_018850.3); short protein forms I764L.
Identifiers: ClinVar variation 4846513 (VCV004846513.1).